The following is an entry in ClinVar:

ClinVar aggregate classification (germline): Conflicting classifications of pathogenicity. Review status: criteria provided, conflicting classifications (1 of 4 stars). 6 submissions from 6 submitters: Pathogenic (1); Likely pathogenic (2); Uncertain significance (3). Last evaluated 2026-07-28.

Conditions:
RYR1-related disorder. Also called: RYR1-related condition; RYR1-related disorders. Identifiers: MedGen CN239331.
Malignant hyperthermia, susceptibility to, 1 (MHS1). Also called: RYR1-Related Malignant Hyperthermia Susceptibility; Anesthesia related hyperthermia; Malignant hyperpyrexia; Fulminating hyperpyrexia; Pharmacogenic myopathy; Malignant hyperthermia suceptibility 1. Identifiers: Orphanet 423, MedGen C2930980, MONDO:0007783, OMIM 145600.
Central core myopathy (CMYO1A). Also called: CONGENITAL MYOPATHY 1A, AUTOSOMAL DOMINANT, WITH SUSCEPTIBILITY TO MALIGNANT HYPERTHERMIA; Central core disease; Myopathy, central fibrillar. Identifiers: Orphanet 597, MedGen C5830701, MONDO:0007294, OMIM 117000.

Allele frequency attached by ClinVar (database versions not stated): gnomAD 0.00001; gnomAD exomes 0.00001 and 0.00002; TOPMed 0.00001; ExAC 0.00003.
gnomAD v4.1: 8 of 1,613,672 alleles (0.0005%); highest among the groups gnomAD compares: Admixed American, 0.01%; no homozygotes.

Submissions (6):

GeneDx
Classification: Likely pathogenic. Last evaluated: 2026-07-28. Review status: criteria provided, single submitter. Criteria: GeneDx Variant Classification Process June 2021. Collection method: clinical testing. Allele origin: germline.
Comment: Not observed at significant frequency in large population cohorts (gnomAD); In silico analysis supports that this missense variant has a deleterious effect on protein structure/function; This variant is associated with the following publications: (PMID: 21062345, 23919265, 23069638, 38162159, 35387801, 30611313, 12668474)

Women's Health and Genetics/Laboratory Corporation of America, LabCorp
Classification: Uncertain significance. Last evaluated: 2025-06-03. Review status: criteria provided, single submitter. Criteria: LabCorp Variant Classification Summary - May 2015. Collection method: clinical testing. Allele origin: germline.
Comment: Variant summary: RYR1 c.9413C>T (p.Pro3138Leu) results in a non-conservative amino acid change in the encoded protein sequence. Algorithms developed to predict the effect of missense changes on protein structure and function all suggest that this variant is likely to be disruptive. The variant allele was found at a frequency of 2.4e-05 in 250664 control chromosomes. c.9413C>T has been reported in the literature as a compound heterozygous genotype in at-least two individuals affected with autosomal recessive RYR1-related congenital myopathy (example: Bevilacqua_2011, Amburgey_2013, Garibaldi_2019, Hong_2022). These data indicate that the variant may be associated with disease. To our knowledge, no experimental evidence demonstrating an impact on protein function has been reported. The following publications have been ascertained in the context of this evaluation (PMID: 23919265, 21062345, 30611313, 35387801, 38162159). ClinVar contains an entry for this variant (Variation ID: 847185). Based on the evidence outlined above, the variant was classified as VUS-possibly pathogenic.

Labcorp Genetics (formerly Invitae), Labcorp
Classification: Pathogenic for RYR1-related disorder. Last evaluated: 2025-04-14. Review status: criteria provided, single submitter. Criteria: Invitae Variant Classification Sherloc (09022015). Collection method: clinical testing. Allele origin: germline.
Comment: This sequence change replaces proline, which is neutral and non-polar, with leucine, which is neutral and non-polar, at codon 3138 of the RYR1 protein (p.Pro3138Leu). This variant is present in population databases (rs762652935, gnomAD 0.01%). This missense change has been observed in individual(s) with autosomal recessive congenital myopathy (PMID: 21062345, 35387801). In at least one individual the data is consistent with being in trans (on the opposite chromosome) from a pathogenic variant. ClinVar contains an entry for this variant (Variation ID: 847185). Invitae Evidence Modeling of protein sequence and biophysical properties (such as structural, functional, and spatial information, amino acid conservation, physicochemical variation, residue mobility, and thermodynamic stability) indicates that this missense variant is expected to disrupt RYR1 protein function with a positive predictive value of 80%. For these reasons, this variant has been classified as Pathogenic.

All of Us Research Program, National Institutes of Health
Classification: Uncertain significance for Malignant hyperthermia, susceptibility to, 1. Last evaluated: 2024-04-10. Review status: criteria provided, single submitter. Criteria: ACMG Guidelines, 2015. Collection method: clinical testing. Allele origin: germline. Inheritance: Autosomal dominant inheritance. Observed: 2 variant alleles, 2 heterozygotes.
Comment: This study involves interpretation of variants in research participants for the purpose of population health screening. Participant phenotype was not available at the time of variant classification. Additional details can be found in publication PMID: 35346344, PMCID: PMC8962531

New York Genome Center
Classification: Likely pathogenic for Malignant hyperthermia, susceptibility to, 1; Central core myopathy. Last evaluated: 2023-08-11. Review status: criteria provided, single submitter. Criteria: NYGC Assertion Criteria 2020. Collection method: clinical testing. Allele origin: inherited. Affected: yes. Observed: 1 variant allele, 1 compound heterozygote.
Comment: This variant is observed in 9 heterozygous alleles (0.0014% minor allele frequency with 0 homozygotes) in population databases (gnomADv2.1.1, gnomADv3.1.2, BRAVO-TOPMed Freeze 8), suggesting it is not a common benign variant in the populations represented in those databases. This variant has been deposited in ClinVar [Variation ID: 847185] as a Variant of UncertainSignificance (3 submissions). The c.9413C>T variant is located in exon 63 of this 106-exon gene and is predicted to replace an evolutionary conserved proline amino acid with leucine at position 3138 of the encoded protein. In silico predictions are in favor of it’s damaging effect [REVEL = 0.897]. Based on available evidence the c.9413C>T p.(Pro3138Leu) variant identified in RYR1 is classified as Likely Pathogenic.

Athena Diagnostics
Classification: Uncertain significance. Last evaluated: 2021-05-05. Review status: criteria provided, single submitter. Criteria: Athena Diagnostics criteria. Collection method: clinical testing. Allele origin: unknown.

Literature cited by the submitters: PubMed 23919265 (cited by Women's Health and Genetics/Laboratory Corporation of America, LabCorp); PubMed 21062345 (cited by 4 submitters); PubMed 30611313 (cited by 3 submitters); PubMed 35387801 (cited by Women's Health and Genetics/Laboratory Corporation of America, LabCorp and Labcorp Genetics (formerly Invitae), Labcorp); PubMed 38162159 (cited by Women's Health and Genetics/Laboratory Corporation of America, LabCorp).

NM_000540.3(RYR1):c.9413C>T (p.Pro3138Leu)

Gene: RYR1 (ryanodine receptor 1; plus strand). Cytogenetic location: 19q13.2.
Variant type: single nucleotide variant.
Coding change: c.9413C>T on transcript NM_000540.3 (MANE Select); coding-DNA position 9413, C replaced by T.
Protein change: p.Pro3138Leu; replaces proline 3138 with leucine.
Molecular consequence: missense variant.
Genome position (GRCh38, 1-based): chr19:38,512,424, C>T. VCF-style: chr19-38512424-C-T. GRCh37 (hg19) VCF-style: chr19-39003064-C-T.
Other names: c.9413C>T, p.Pro3138Leu (NM_001042723.2); short protein forms P3138L.
Identifiers: ClinVar variation 847185 (VCV000847185.15), dbSNP rs762652935, ClinGen allele CA073569.